The following is an entry in ClinVar:

ClinVar aggregate classification (germline): Uncertain significance (1 of 4 stars; one submission).

Conditions:
Werner syndrome (WRN). Identifiers: Orphanet 902, MedGen C0043119, MONDO:0010196, OMIM 277700.

Submission:

Labcorp Genetics (formerly Invitae), Labcorp
Classification: Uncertain significance for Werner syndrome. Last evaluated: 2022-12-30. Review status: criteria provided, single submitter. Criteria: Invitae Variant Classification Sherloc (09022015). Collection method: clinical testing. Allele origin: germline.
Comment: This variant has not been reported in the literature in individuals affected with WRN-related conditions. This variant is not present in population databases (gnomAD no frequency). This sequence change replaces alanine, which is neutral and non-polar, with valine, which is neutral and non-polar, at codon 1188 of the WRN protein (p.Ala1188Val). ClinVar contains an entry for this variant (Variation ID: 1362398). In summary, the available evidence is currently insufficient to determine the role of this variant in disease. Therefore, it has been classified as a Variant of Uncertain Significance. Algorithms developed to predict the effect of missense changes on protein structure and function are either unavailable or do not agree on the potential impact of this missense change (SIFT: "Not Available"; PolyPhen-2: "Probably Damaging"; Align-GVGD: "Not Available").

NM_000553.6(WRN):c.3563C>T (p.Ala1188Val)

Gene: WRN (WRN RecQ like helicase; plus strand). Cytogenetic location: 8p12.
Variant type: single nucleotide variant.
Coding change: c.3563C>T on transcript NM_000553.6 (MANE Select); coding-DNA position 3563, C replaced by T.
Protein change: p.Ala1188Val; replaces alanine 1188 with valine.
Molecular consequence: missense variant.
Genome position (GRCh38, 1-based): chr8:31,147,467, C>T. VCF-style: chr8-31147467-C-T. GRCh37 (hg19) VCF-style: chr8-31004983-C-T.
Other names: short protein forms A1188V.
Identifiers: ClinVar variation 1362398 (VCV001362398.6), dbSNP rs2130441305, ClinGen allele CA370926168.